The following is an entry in ClinVar:

ClinVar aggregate classification (germline): Uncertain significance (1 of 4 stars; one submission).

Submission:

GeneDx
Classification: Uncertain significance. Last evaluated: 2024-05-30. Review status: criteria provided, single submitter. Criteria: GeneDx Variant Classification Process June 2021. Collection method: clinical testing. Allele origin: germline. Affected: yes.
Comment: Not observed at significant frequency in large population cohorts (gnomAD); In silico analysis indicates that this missense variant does not alter protein structure/function; Has not been previously published as pathogenic or benign to our knowledge

NM_170606.3(KMT2C):c.6640A>G (p.Ile2214Val)

Gene: KMT2C (lysine methyltransferase 2C; minus strand). Cytogenetic location: 7q36.1.
Variant type: single nucleotide variant.
Coding change: c.6640A>G on transcript NM_170606.3 (MANE Select); coding-DNA position 6640, A replaced by G.
Protein change: p.Ile2214Val; replaces isoleucine 2214 with valine.
Molecular consequence: missense variant.
Genome position (GRCh38, 1-based): chr7:152,181,220, T>C on the plus strand (A>G on the coding strand, the complement: KMT2C is on the minus strand). VCF-style: chr7-152181220-T-C. GRCh37 (hg19) VCF-style: chr7-151878305-T-C.
Other names: short protein forms I2214V.
Identifiers: ClinVar variation 3390677 (VCV003390677.1).
Genomic context (GRCh38, chr7:152,181,220, plus strand): 5'-TAAAACCCTCTGAAATCCTTGGCCTTGGTGTTGCTGGTGGCTGAGAGTAAGGGACAGAAA[T>C]TCCAGGTCTTGGTGTTCCAGGAGGATGAGCATATGGATCAGAATGCCTCTGATTTGTTAC-3'
Protein context (NP_733751.2, residues 2204-2224): AHPPGTPRPG[Ile2214Val]SVPYSQPPAT